The following is an entry in ClinVar:

ClinVar aggregate classification (germline): Uncertain significance. Review status: criteria provided, multiple submitters, no conflicts (2 of 4 stars). 3 submissions from 3 submitters: Uncertain significance (3). Last evaluated 2024-12-04.

Conditions:
Baller-Gerold syndrome (BGS). Also called: CRANIOSYNOSTOSIS WITH RADIAL DEFECTS. Identifiers: Orphanet 1225, MedGen C0265308, MONDO:0009039, OMIM 218600.
Inborn genetic diseases. Identifiers: MedGen C0950123, MeSH D030342.
Hereditary cancer-predisposing syndrome. Also called: Neoplastic Syndromes, Hereditary; Tumor predisposition; Hereditary neoplastic syndrome; Hereditary Cancer Syndrome. Identifiers: Orphanet 140162, MedGen C0027672, MeSH D009386, MONDO:0015356.

Allele frequency attached by ClinVar (database versions not stated): gnomAD exomes below 0.00001 and 0.00001; TOPMed below 0.00001; ExAC 0.00001.

Submissions (3):

Ambry Genetics
Classification: Uncertain significance for Inborn genetic diseases. Last evaluated: 2024-12-04. Review status: criteria provided, single submitter. Criteria: Ambry Variant Classification Scheme 2023. Collection method: clinical testing. Allele origin: germline.
Comment: The p.E301D variant (also known as c.903A>T), located in coding exon 5 of the RECQL4 gene, results from an A to T substitution at nucleotide position 903. The glutamic acid at codon 301 is replaced by aspartic acid, an amino acid with highly similar properties. This amino acid position is conserved. In addition, this alteration is predicted to be tolerated by in silico analysis. Based on the available evidence, the clinical significance of this variant remains unclear.

Labcorp Genetics (formerly Invitae), Labcorp
Classification: Uncertain significance for Baller-Gerold syndrome. Last evaluated: 2024-03-24. Review status: criteria provided, single submitter. Criteria: Invitae Variant Classification Sherloc (09022015). Collection method: clinical testing. Allele origin: germline.
Comment: This sequence change replaces glutamic acid, which is acidic and polar, with aspartic acid, which is acidic and polar, at codon 301 of the RECQL4 protein (p.Glu301Asp). This variant is present in population databases (rs746200109, gnomAD 0.0009%). This variant has not been reported in the literature in individuals affected with RECQL4-related conditions. ClinVar contains an entry for this variant (Variation ID: 529003). Advanced modeling of protein sequence and biophysical properties (such as structural, functional, and spatial information, amino acid conservation, physicochemical variation, residue mobility, and thermodynamic stability) performed at Invitae indicates that this missense variant is not expected to disrupt RECQL4 protein function with a negative predictive value of 80%. In summary, the available evidence is currently insufficient to determine the role of this variant in disease. Therefore, it has been classified as a Variant of Uncertain Significance.

Sema4
Classification: Uncertain significance for Hereditary cancer-predisposing syndrome. Last evaluated: 2021-05-27. Review status: criteria provided, single submitter. Criteria: Sema4 Curation Guidelines. Collection method: curation. Allele origin: germline.
Comment: The RECQL4 c.903A>T (p.E301D) variant has not been reported in the literature to our knowledge. It was observed in 1/111992 chromosomes of the Non-Finnish European subpopulation in the large and broad cohorts of the Genome Aggregation Database. The variant has been reported in ClinVar (Variation ID 529003). In silico tools suggest the impact of the variant on protein function is benign, though these predictions have not been confirmed by functional studies. The evidence is insufficient to meet ACMG/AMP criteria for classifying the variant as benign or pathogenic. Thus, the clinical significance of this variant is currently uncertain.

NM_004260.4(RECQL4):c.903A>T (p.Glu301Asp)

Gene: RECQL4 (RecQ like helicase 4; minus strand). Cytogenetic location: 8q24.3.
Variant type: single nucleotide variant.
Coding change: c.903A>T on transcript NM_004260.4 (MANE Select); coding-DNA position 903, A replaced by T.
Protein change: p.Glu301Asp; replaces glutamic acid 301 with aspartic acid.
Molecular consequence: missense variant.
Genome position (GRCh38, 1-based): chr8:144,516,216, T>A on the plus strand (A>T on the coding strand, the complement: RECQL4 is on the minus strand). VCF-style: chr8-144516216-T-A. GRCh37 (hg19) VCF-style: chr8-145741600-T-A.
Other names: short protein forms E301D.
Identifiers: ClinVar variation 529003 (VCV000529003.9), dbSNP rs746200109, ClinGen allele CA4949148.